The following is an entry in ClinVar:

NM_007294.4(BRCA1):c.1762del (p.Ser588fs)

Gene: BRCA1 (BRCA1 DNA repair associated; minus strand). Cytogenetic location: 17q21.31.
Variant type: Deletion.
Coding change: c.1762del on transcript NM_007294.4 (MANE Select); coding-DNA position 1762, one base deleted (A; older notation c.1762delA).
Protein change: p.Ser588fs; shifts the reading frame from serine 588.
Molecular consequence: frameshift variant. On other transcripts: intron variant (137).
Genome position (GRCh38, 1-based): chr17:43,093,769, T deleted on the plus strand (A on the coding strand, the reverse complement: BRCA1 is on the minus strand); the first of 2 consecutive T bases (chr17:43,093,769-43,093,770); deleting either gives the same sequence. VCF-style (leftmost placement, unchanged base first): chr17-43093768-CT-C. GRCh37 (hg19) VCF-style: chr17-41245785-CT-C.
Other names: c.784+975del (NM_001407991.1, NM_001408407.1, NM_001408402.1 and 13 more transcripts); c.664+975del (NM_001408427.1, NM_001408443.1, NM_001408439.1 and 12 more transcripts); c.523+975del (NM_001408496.1, NM_001408499.1, NM_001408498.1 and 3 more transcripts); c.586+975del (NM_001408476.1, NM_001408474.1); c.709+975del (NM_001408409.1, NM_001408414.1, NM_001408411.1 and 2 more transcripts); c.574+975del (NM_001408493.1, NM_001408490.1, NM_001408491.1); c.454+975del (NM_001408502.1); c.577+975del (NM_001408489.1, NM_001408479.1, NM_001408482.1 and 9 more transcripts); and 42 more; short protein forms S547fs, S420fs, S461fs, S476fs, S477fs, S520fs, S540fs, S561fs.
Identifiers: ClinVar variation 3664452 (VCV003664452.3).

ClinVar aggregate classification (germline): Pathogenic/Likely pathogenic. Review status: criteria provided, multiple submitters, no conflicts (2 of 4 stars). 2 submissions from 2 submitters: Pathogenic (1); Likely pathogenic (1). Last evaluated 2026-09-03.

Conditions:
Hereditary breast ovarian cancer syndrome. Also called: Hereditary breast and/or ovarian cancer syndrome; Hereditary breast and ovarian cancer syndrome; Hereditary breast and ovarian cancer syndrome (HBOC); BRCA1- and BRCA2-Associated Hereditary Breast and Ovarian Cancer; Hereditary breast and ovarian cancer; Breast and ovarian cancer. Identifiers: Orphanet 145, MedGen C0677776, MeSH D061325, MONDO:0003582. Disease mechanism: loss of function.

Submissions (2):

GeneDx
Classification: Likely pathogenic. Last evaluated: 2026-09-03. Review status: criteria provided, single submitter. Criteria: GeneDx Variant Classification Process June 2021. Collection method: clinical testing. Allele origin: germline.

Labcorp Genetics (formerly Invitae), Labcorp
Classification: Pathogenic for Hereditary breast ovarian cancer syndrome. Last evaluated: 2024-09-04. Review status: criteria provided, single submitter. Criteria: Invitae Variant Classification Sherloc (09022015). Collection method: clinical testing. Allele origin: germline.
Comment: This sequence change creates a premature translational stop signal (p.Ser588Alafs*4) in the BRCA1 gene. It is expected to result in an absent or disrupted protein product. Loss-of-function variants in BRCA1 are known to be pathogenic (PMID: 20104584). This variant is not present in population databases (gnomAD no frequency). This variant has not been reported in the literature in individuals affected with BRCA1-related conditions. For these reasons, this variant has been classified as Pathogenic.

Literature cited by the submitters: PubMed 20104584 (cited by Labcorp Genetics (formerly Invitae), Labcorp).